The following is an entry in ClinVar:

NC_000017.11:g.79371616_79397955dup

Gene: RBFOX3 (RNA binding fox-1 homolog 3; minus strand). Cytogenetic location: 17q25.3.
Variant type: Duplication.
Identifiers: ClinVar variation 157405 (VCV000157405.2).

ClinVar aggregate classification (germline): not provided. Review status: no classification provided (0 of 4 stars). 2 submissions from 1 submitter: not provided (2).

Conditions:
Preeclampsia. Identifiers: Orphanet 275555, MedGen C0032914, MONDO:0005081, HP:0100602.
Large for gestational age. Identifiers: MedGen C1848395, HP:0001520.

Submissions (2):

Institute of Molecular and Cell Biology, University of Tartu
No classification provided. Condition: Large for gestational age. Review status: no classification provided. Collection method: case-control. Allele origin: unknown. Affected: yes. Study: Kasak2014.
Comment: The study aimed to determine the contribution of copy number variants in the genetic etiology of normal and complicated pregnancies. The samples represented (i) maternal blood DNA drawn from healthy pregnant women during 1st or 2nd trimester and (ii) maternal and paternal blood DNA drawn at term pregnancy cases representing normal and complicated gestations (severe preeclampsia, PE; gestational diabetes, GD; small-for-gestational age newborn, SGA; large-for-gestational age newborn, LGA). We performed CNV calling based on genome-wide genotyping dataset (Illumina HumanOmniExpress-24-v1 BeadChip) by applying three algorithms, QuantiSNP, GADA (Genome Alteration Detection Algorithm) and CNstream in parallel. The acquired CNV calls were merged with HD-CNV (Hotspot Detector for Copy Number Variants) program and only the CNVs predicted by at least two programs, were considered in subsequent analysis.

Institute of Molecular and Cell Biology, University of Tartu
No classification provided. Condition: Preeclampsia. Review status: no classification provided. Collection method: case-control. Allele origin: unknown. Affected: yes. Study: Kasak2014.
Comment: the same text as in the submission from Institute of Molecular and Cell Biology, University of Tartu above.

Literature cited by the submitters: PubMed 25666259.